The following is an entry in ClinVar:

NM_004655.4(AXIN2):c.2237+4A>G

Gene: AXIN2 (axin 2; minus strand). Cytogenetic location: 17q24.1.
Variant type: single nucleotide variant.
Coding change: c.2237+4A>G on transcript NM_004655.4 (MANE Select); 4 bases into the intron after coding-DNA position 2237, A replaced by G.
Molecular consequence: intron variant.
Genome position (GRCh38, 1-based): chr17:65,535,622, T>C on the plus strand (A>G on the coding strand, the complement: AXIN2 is on the minus strand). VCF-style: chr17-65535622-T-C. GRCh37 (hg19) VCF-style: chr17-63531740-T-C.
Other names: c.2042+4A>G (NM_001363813.1).
Identifiers: ClinVar variation 1788205 (VCV001788205.2), dbSNP rs1286443394, ClinGen allele CA626908241.

ClinVar aggregate classification (germline): Uncertain significance (1 of 4 stars; one submission).

Conditions:
Hereditary cancer-predisposing syndrome. Also called: Neoplastic Syndromes, Hereditary; Tumor predisposition; Hereditary Cancer Syndrome; Hereditary neoplastic syndrome. Identifiers: Orphanet 140162, MedGen C0027672, MeSH D009386, MONDO:0015356.

Allele frequency attached by ClinVar (database versions not stated): gnomAD exomes below 0.00001.
gnomAD v4.1: 1 of 1,613,478 alleles (0.000062%); highest among the groups gnomAD compares: East Asian, 0.0022%; no homozygotes.

Submission:

Ambry Genetics
Classification: Uncertain significance for Hereditary cancer-predisposing syndrome. Last evaluated: 2022-02-16. Review status: criteria provided, single submitter. Criteria: Ambry Variant Classification Scheme 2023. Collection method: clinical testing. Allele origin: germline.
Comment: The c.2237+4A>G intronic variant results from an A to G substitution 4 nucleotides after coding exon 8 in the AXIN2 gene. This nucleotide position is highly conserved in available vertebrate species. In silico splice site analysis predicts that this alteration will weaken the native splice donor site; however, direct evidence is insufficient at this time (Ambry internal data). Since supporting evidence is limited at this time, the clinical significance of this alteration remains unclear.